The following is an entry in ClinVar:

ClinVar aggregate classification (germline): Pathogenic. Review status: criteria provided, multiple submitters, no conflicts (2 of 4 stars). 2 submissions from 2 submitters: Pathogenic (2). Last evaluated 2021-01-06.

Conditions:
Tuberous sclerosis 2 (TSC2). Identifiers: Orphanet 805, MedGen C1860707, MONDO:0013199, OMIM 613254.

Submissions (2):

Labcorp Genetics (formerly Invitae), Labcorp
Classification: Pathogenic for Tuberous sclerosis 2. Last evaluated: 2021-01-06. Review status: criteria provided, single submitter. Criteria: Invitae Variant Classification Sherloc (09022015). Collection method: clinical testing. Allele origin: germline.
Comment: This sequence change creates a premature translational stop signal (p.Pro727Leufs*44) in the TSC2 gene. It is expected to result in an absent or disrupted protein product. Loss-of-function variants in TSC2 are known to be pathogenic (PMID: 10205261, 17304050). For these reasons, this variant has been classified as Pathogenic. This variant has not been reported in the literature in individuals with TSC2-related conditions. This variant is not present in population databases (ExAC no frequency).

Athena Diagnostics
Classification: Pathogenic. Last evaluated: 2020-04-13. Review status: criteria provided, single submitter. Criteria: Athena Diagnostics Criteria. Collection method: clinical testing. Allele origin: unknown.
Comment: The variant results in a shift of the reading frame, and is therefore predicted to result in the loss of a functional protein. Found in at least one patient with expected phenotype for this gene, and not found in general population data.

Literature cited by the submitters: PubMed 10205261 (cited by Labcorp Genetics (formerly Invitae), Labcorp); PubMed 17304050 (cited by Labcorp Genetics (formerly Invitae), Labcorp).

NM_000548.5(TSC2):c.2180del (p.Pro727fs)

Gene: TSC2 (TSC complex subunit 2; plus strand). Cytogenetic location: 16p13.3.
Variant type: Deletion.
Coding change: c.2180del on transcript NM_000548.5 (MANE Select); coding-DNA position 2180, one base deleted (C; older notation c.2180delC).
Protein change: p.Pro727fs; shifts the reading frame from proline 727.
Molecular consequence: frameshift variant.
Genome position (GRCh38, 1-based): chr16:2,072,323, C deleted; the last of 4 consecutive C bases (chr16:2,072,320-2,072,323); deleting any one gives the same sequence. VCF-style (leftmost placement, unchanged base first): chr16-2072319-TC-T. GRCh37 (hg19) VCF-style: chr16-2122320-TC-T.
Other names: c.2180del, p.Pro727fs (NM_001077183.3, NM_001114382.3, NM_001363528.2 and 3 more transcripts); c.2069del, p.Pro690fs (NM_001318827.2); c.2033del, p.Pro678fs (NM_001318829.2); c.1580del, p.Pro527fs (NM_001318831.2); c.2213del, p.Pro738fs (NM_001318832.2); short protein forms P527fs, P678fs, P690fs, P727fs, P738fs.
Identifiers: ClinVar variation 995053 (VCV000995053.6), dbSNP rs2088578781, ClinGen allele CA1139664309.